The following is an entry in ClinVar:

NM_078471.4(MYO18A):c.3088-26T>C

Gene: MYO18A (myosin XVIIIA; minus strand). Cytogenetic location: 17q11.2.
Variant type: single nucleotide variant.
Coding change: c.3088-26T>C on transcript NM_078471.4 (MANE Select); 26 bases into the intron before coding-DNA position 3088, T replaced by C.
Molecular consequence: intron variant.
Genome position (GRCh38, 1-based): chr17:29,110,127, A>G on the plus strand (T>C on the coding strand, the complement: MYO18A is on the minus strand). VCF-style: chr17-29110127-A-G. GRCh37 (hg19) VCF-style: chr17-27437145-A-G.
Other names: c.3088-26T>C (NM_203318.2, NM_001346767.2); c.3124-26T>C (NM_001346766.2); c.3145-26T>C (NM_001346765.2); c.1714-26T>C (NM_001346768.2).
Identifiers: ClinVar variation 4851628 (VCV004851628.1).

ClinVar aggregate classification (germline): Uncertain significance (1 of 4 stars; one submission).

Submission:

Greenwood Genetic Center Diagnostic Laboratories, Greenwood Genetic Center
Classification: Uncertain significance. Last evaluated: 2025-01-24. Review status: criteria provided, single submitter. Criteria: ACMG Guidelines, 2015. Collection method: clinical testing. Allele origin: germline.
Comment: Gene of Uncertain Significance